The following is an entry in ClinVar:

NM_012210.4(TRIM32):c.1181G>A (p.Arg394His)

Genes: ASTN2 (astrotactin 2; minus strand), TRIM32 (tripartite motif containing 32; plus strand). Cytogenetic location: 9q33.1.
Variant type: single nucleotide variant.
Coding change: c.1181G>A on transcript NM_012210.4 (MANE Select); coding-DNA position 1181, G replaced by A.
Protein change: p.Arg394His; replaces arginine 394 with histidine.
Molecular consequence: missense variant. On other transcripts: intron variant (3).
Genome position (GRCh38, 1-based): chr9:116,698,923, G>A. VCF-style: chr9-116698923-G-A. GRCh37 (hg19) VCF-style: chr9-119461202-G-A.
Other names: c.1181G>A, p.Arg394His (NM_001099679.2, NM_001379048.1, NM_001379049.1 and 1 more transcripts); c.2653+26848C>T (NM_014010.5); c.2794+26848C>T (NM_001365069.1); c.2806+26848C>T (NM_001365068.1); short protein forms R394H.
Identifiers: ClinVar variation 7353 (VCV000007353.17), dbSNP rs121434447, ClinGen allele CA118731.

ClinVar aggregate classification (germline): Conflicting classifications of pathogenicity. Review status: criteria provided, conflicting classifications (1 of 4 stars). 8 submissions from 8 submitters: Pathogenic (1); Likely pathogenic (2); Uncertain significance (3). 2 of the submissions do not count toward it. Last evaluated 2025-11-21.

Conditions:
TRIM32-related disorder. Also called: TRIM32-related condition.
Bardet-Biedl syndrome (BBS). Identifiers: Orphanet 110, MedGen C0752166, MONDO:0015229.
Bardet-Biedl syndrome 11 (BBS11). Identifiers: MONDO:0014439, OMIM 615988, Orphanet 110, MedGen C1859569.
Sarcotubular myopathy (LGMDR8). Also called: MUSCULAR DYSTROPHY, LIMB-GIRDLE, AUTOSOMAL RECESSIVE 8; Limb-girdle muscular dystrophy, type 2H; Autosomal recessive limb-girdle muscular dystrophy type 2H; Hutterite type of muscular dystrophy. Identifiers: Orphanet 1878, MedGen C0270968, MONDO:0009683, OMIM 254110.

Allele frequency attached by ClinVar (database versions not stated): gnomAD 0.00002; gnomAD exomes 0.00002 and 0.00004; TOPMed 0.00002; ExAC 0.00004.
gnomAD v4.1: 36 of 1,614,078 alleles (0.0022%); highest among the groups gnomAD compares: Admixed American, 0.0067%; no homozygotes.

Submissions (8):

Labcorp Genetics (formerly Invitae), Labcorp
Classification: Pathogenic for Bardet-Biedl syndrome. Last evaluated: 2025-11-21. Review status: criteria provided, single submitter. Criteria: Invitae Variant Classification Sherloc (09022015). Collection method: clinical testing. Allele origin: germline.
Comment: This sequence change replaces arginine, which is basic and polar, with histidine, which is basic and polar, at codon 394 of the TRIM32 protein (p.Arg394His). This variant is present in population databases (rs121434447, gnomAD 0.01%). This missense change has been observed in individuals with autosomal recessive limb-girdle muscular dystrophy and/or clinical features of limb-girdle muscular dystrophy (PMID: 17994549, 38304327; internal data). ClinVar contains an entry for this variant (Variation ID: 7353). An algorithm developed to predict the effect of missense changes on protein structure and function (PolyPhen-2) suggests that this variant is likely to be disruptive. Experimental studies have shown that this missense change affects TRIM32 function (PMID: 17994549, 19349376, 33296226). For these reasons, this variant has been classified as Pathogenic.

Fulgent Genetics
Classification: Likely pathogenic for Sarcotubular myopathy; Bardet-Biedl syndrome 11. Last evaluated: 2024-03-25. Review status: criteria provided, single submitter. Criteria: ACMG Guidelines, 2015. Collection method: clinical testing. Allele origin: germline.

Blueprint Genetics
Classification: Likely pathogenic for TRIM32-related disorders. Last evaluated: 2023-06-30. Review status: criteria provided, single submitter. Criteria: ACMG Guidelines, 2015. Collection method: clinical testing. Allele origin: germline. Affected: yes. Observed: 4 variant alleles.

Broad Center for Mendelian Genomics, Broad Institute of MIT and Harvard
Classification: Uncertain significance for Sarcotubular myopathy. Last evaluated: 2018-12-03. Review status: criteria provided, single submitter. Criteria: ACMG Guidelines, 2015. Collection method: research. Allele origin: germline. Inheritance: Autosomal recessive inheritance. Affected: yes.
Comment: This variant has been identified in 0.003658% (9/246046) of chromosomes by the Genome Aggregation Database (gnomAD; dbSNP rs121434447). Although this variant has been seen in the general population, its frequency is low enough to be consistent with a recessive carrier frequency. Computational prediction tools and conservation analyses suggest that this variant may impact the protein, though this information is not predictive enough to determine pathogenicity. In vitro functional studies provide some evidence that the p.Arg394His variant may impact protein function by affecting its localization, homodimerization, and ubiquitin ligase activity (PMID: 19349376, 17994549). However, these types of assays may not accurately represent biological function. The p.Arg394His variant in TRIM32 has been reported in 2 individuals with LGMD in the literature (PMID: 17994549). This variant has also been reported in ClinVar (Variation ID: 7353). In summary, while there is some suspicion for a pathogenic role, the clinical significance of this variant is uncertain. ACMG/AMP Criteria applied: PM2, PP3, PS3_Moderate (Richards 2015).

Baylor Genetics
Classification: Uncertain significance for Bardet-Biedl syndrome 11. Last evaluated: 2018-02-13. Review status: criteria provided, single submitter. Criteria: ACMG Guidelines, 2015. Collection method: clinical testing. Allele origin: paternal. Affected: yes.
Comment: This variant was determined to be of uncertain significance according to ACMG Guidelines, 2015 [PMID:25741868].

Eurofins Ntd Llc (ga)
Classification: Uncertain significance. Last evaluated: 2015-09-03. Review status: criteria provided, single submitter. Criteria: EGL Classification Definitions 2015. Collection method: clinical testing. Allele origin: germline. Observed: 1 variant allele, 1 heterozygote.

PreventionGenetics, part of Exact Sciences
Classification: Likely pathogenic for TRIM32-related condition. Last evaluated: 2024-04-15. Review status: no assertion criteria provided. Collection method: clinical testing. Allele origin: germline. Not counted in ClinVar's aggregate classification.
Comment: The TRIM32 c.1181G>A variant is predicted to result in the amino acid substitution p.Arg394His. This variant has been reported in the homozygous state in two patients with limb-girdle muscular dystrophy-8 (LGMDR8) (Table 1 and Figure S3, Saccone et al. 2008. PubMed ID: 17994549; Table S2, Johnson et al. 2018. PubMed ID: 29921608). It has also been reported as a single heterozygous variant and together with another missense variant (phase unknown) in a LGMDR8 patient (Rimoldi et al. 2024. PubMed ID: 38304327). The affected amino acid is located in one of the NHL domains where LGMD2H causative variants cluster. Functional assays suggest that this variant impairs protein function (Saccone et al. 2008. PubMed ID: 17994549; Locke et al. 2009. PubMed ID: 19349376; Bawa et al. 2021. PubMed ID: 33296226). This variant is reported in 0.012% of alleles in individuals of Latino descent in gnomAD. This variant is interpreted as likely pathogenic.

OMIM
Classification: Pathogenic for MUSCULAR DYSTROPHY, LIMB-GIRDLE, AUTOSOMAL RECESSIVE 8. Last evaluated: 2009-07-01. Review status: no assertion criteria provided. Collection method: literature only. Allele origin: germline. Not counted in ClinVar's aggregate classification.

Literature cited by the submitters: PubMed 17994549 (cited by 3 submitters); PubMed 38304327 (cited by Labcorp Genetics (formerly Invitae), Labcorp); PubMed 19349376 (cited by 3 submitters); PubMed 33296226 (cited by Labcorp Genetics (formerly Invitae), Labcorp).